The following is an entry in ClinVar:

NM_004360.5(CDH1):c.1020dup (p.Tyr341fs)

Gene: CDH1 (cadherin 1; plus strand). Cytogenetic location: 16q22.1.
Variant type: Duplication.
Coding change: c.1020dup on transcript NM_004360.5 (MANE Select); coding-DNA position 1020, one base duplicated (G; older notation c.1020dupG).
Protein change: p.Tyr341fs; shifts the reading frame from tyrosine 341.
Molecular consequence: frameshift variant. On other transcripts: 5 prime UTR variant (2).
Genome position (GRCh38, 1-based): chr16:68,812,146, G duplicated. VCF-style (leftmost placement, unchanged base first): chr16-68812145-C-CG. GRCh37 (hg19) VCF-style: chr16-68846048-C-CG.
Other names: c.1020dup, p.Tyr341fs (NM_001317184.2); c.-596dup (NM_001317185.2); c.-800dup (NM_001317186.2); c.1020dupG (NM_004360.3); short protein forms Y341fs.
Identifiers: ClinVar variation 4632871 (VCV004632871.1).
Genomic context (GRCh38, chr16:68,812,145, plus strand): 5'-AGGTGGCTAGTGTTCCTGGTCCTGACTTGGTTGTGTCGATCTCTCTGCAGAGTTTCCCTA[C>CG]GTATACCCTGGTGGTTCAAGCTGCTGACCTTCAAGGTGAGGGGTTAAGCACAACAGCAAC-3'

ClinVar aggregate classification (germline): Pathogenic (1 of 4 stars; one submission).

Conditions:
Hereditary cancer-predisposing syndrome. Also called: Neoplastic Syndromes, Hereditary; Tumor predisposition; Hereditary Cancer Syndrome; Hereditary neoplastic syndrome. Identifiers: Orphanet 140162, MedGen C0027672, MeSH D009386, MONDO:0015356.

Submission:

Ambry Genetics
Classification: Pathogenic for Hereditary cancer-predisposing syndrome. Last evaluated: 2025-12-11. Review status: criteria provided, single submitter. Criteria: Ambry Variant Classification Scheme 2023. Collection method: clinical testing. Allele origin: germline.
Comment: The c.1020dupG pathogenic mutation, located in coding exon 8 of the CDH1 gene, results from a duplication of G at nucleotide position 1020, causing a translational frameshift with a predicted alternate stop codon (p.Y341Vfs*9). This variant is considered to be rare based on population cohorts in the Genome Aggregation Database (gnomAD). This alteration is expected to result in loss of function by premature protein truncation or nonsense-mediated mRNA decay. As such, this alteration is interpreted as a disease-causing mutation.